The following is an entry in ClinVar:

NM_006059.4(LAMC3):c.739G>A (p.Asp247Asn)

Gene: LAMC3 (laminin subunit gamma 3; plus strand). Cytogenetic location: 9q34.12.
Variant type: single nucleotide variant.
Coding change: c.739G>A on transcript NM_006059.4 (MANE Select); coding-DNA position 739, G replaced by A.
Protein change: p.Asp247Asn; replaces aspartic acid 247 with asparagine.
Molecular consequence: missense variant.
Genome position (GRCh38, 1-based): chr9:131,032,105, G>A. VCF-style: chr9-131032105-G-A. GRCh37 (hg19) VCF-style: chr9-133907492-G-A.
Other names: c.739G>A (NM_006059.3); short protein forms D247N.
Identifiers: ClinVar variation 1902568 (VCV001902568.3), dbSNP rs200998540, ClinGen allele CA5286794.

ClinVar aggregate classification (germline): Uncertain significance. Review status: criteria provided, multiple submitters, no conflicts (2 of 4 stars). 2 submissions from 2 submitters: Uncertain significance (2). Last evaluated 2024-08-27.

Conditions:
Inborn genetic diseases. Identifiers: MedGen C0950123, MeSH D030342.

Allele frequency attached by ClinVar (database versions not stated): ExAC 0.00002; gnomAD exomes 0.00003; gnomAD 0.00008; TOPMed 0.00011; ESP Exome Variant Server 0.00015; 1000 Genomes Project 0.00040; 1000 Genomes Project 30x 0.00047.
gnomAD v4.1: 53 of 1,614,034 alleles (0.0033%); highest among the groups gnomAD compares: African/African-American, 0.031%; no homozygotes.

Submissions (2):

Ambry Genetics
Classification: Uncertain significance for Inborn genetic diseases. Last evaluated: 2024-08-27. Review status: criteria provided, single submitter. Criteria: Ambry Variant Classification Scheme 2023. Collection method: clinical testing. Allele origin: germline.

Labcorp Genetics (formerly Invitae), Labcorp
Classification: Uncertain significance. Last evaluated: 2022-02-25. Review status: criteria provided, single submitter. Criteria: Invitae Variant Classification Sherloc (09022015). Collection method: clinical testing. Allele origin: germline.
Comment: This sequence change replaces aspartic acid, which is acidic and polar, with asparagine, which is neutral and polar, at codon 247 of the LAMC3 protein (p.Asp247Asn). This variant is present in population databases (rs200998540, gnomAD 0.03%). This variant has not been reported in the literature in individuals affected with LAMC3-related conditions. Algorithms developed to predict the effect of missense changes on protein structure and function are either unavailable or do not agree on the potential impact of this missense change (SIFT: "Deleterious"; PolyPhen-2: "Probably Damaging"; Align-GVGD: "Class C0"). In summary, the available evidence is currently insufficient to determine the role of this variant in disease. Therefore, it has been classified as a Variant of Uncertain Significance.